The following is an entry in ClinVar:

NM_000073.3(CD3G):c.38C>T (p.Ala13Val)

Gene: CD3G (CD3 gamma subunit of T-cell receptor complex; plus strand). Cytogenetic location: 11q23.3.
Variant type: single nucleotide variant.
Coding change: c.38C>T on transcript NM_000073.3 (MANE Select); coding-DNA position 38, C replaced by T.
Protein change: p.Ala13Val; replaces alanine 13 with valine.
Molecular consequence: missense variant.
Genome position (GRCh38, 1-based): chr11:118,344,461, C>T. VCF-style: chr11-118344461-C-T. GRCh37 (hg19) VCF-style: chr11-118215176-C-T.
Other names: short protein forms A13V.
Identifiers: ClinVar variation 1062542 (VCV001062542.9), dbSNP rs1430979560, ClinGen allele CA382791665.

ClinVar aggregate classification (germline): Uncertain significance (1 of 4 stars; one submission).

Conditions:
Combined immunodeficiency due to CD3gamma deficiency. Also called: CD3-GAMMA DEFICIENCY; SCID-LIKE IMMUNODEFICIENCY, T CELL-PARTIAL, B CELL-POSITIVE, NK CELL-POSITIVE; Immunodeficiency 17; Immunodeficiency 17, CD3 gamma deficient. Identifiers: Orphanet 169082, MedGen C3810107, MONDO:0014276, OMIM 615607.

gnomAD v4.1: 2 of 1,570,014 alleles (0.00013%); highest among the groups gnomAD compares: Non-Finnish European, 0.00017%; no homozygotes.

Submission:

Labcorp Genetics (formerly Invitae), Labcorp
Classification: Uncertain significance for Combined immunodeficiency due to CD3gamma deficiency. Last evaluated: 2020-05-27. Review status: criteria provided, single submitter. Criteria: Invitae Variant Classification Sherloc (09022015). Collection method: clinical testing. Allele origin: germline.
Comment: This sequence change replaces alanine with valine at codon 13 of the CD3G protein (p.Ala13Val). The alanine residue is weakly conserved and there is a small physicochemical difference between alanine and valine. This variant is not present in population databases (ExAC no frequency). This variant has not been reported in the literature in individuals with CD3G-related conditions. Algorithms developed to predict the effect of missense changes on protein structure and function output the following: SIFT: "Tolerated"; PolyPhen-2: "Benign"; Align-GVGD: "Class C0". The valine amino acid residue is found in multiple mammalian species, suggesting that this missense change does not adversely affect protein function. These predictions have not been confirmed by published functional studies and their clinical significance is uncertain. In summary, the available evidence is currently insufficient to determine the role of this variant in disease. Therefore, it has been classified as a Variant of Uncertain Significance.